The following is an entry in ClinVar:

ClinVar aggregate classification (germline): Likely benign (1 of 4 stars; one submission).

Allele frequency attached by ClinVar (database versions not stated): gnomAD exomes 0.00001; ExAC 0.00010.

Submission:

CeGaT Center for Human Genetics Tuebingen
Classification: Likely benign. Last evaluated: 2022-03-01. Review status: criteria provided, single submitter. Criteria: CeGaT Center For Human Genetics Tuebingen Variant Classification Criteria Version 2. Collection method: clinical testing. Allele origin: germline. Affected: yes. Observed: 1 variant allele.
Comment: MEGF8: BP4, BP7

NM_001271938.2(MEGF8):c.8409C>T (p.Leu2803=)

Gene: MEGF8 (multiple EGF like domains 8; plus strand). Cytogenetic location: 19q13.2.
Variant type: single nucleotide variant.
Coding change: c.8409C>T on transcript NM_001271938.2 (MANE Select); coding-DNA position 8409, C replaced by T.
Protein change: p.Leu2803=; no amino-acid change (leucine 2803 retained).
Molecular consequence: synonymous variant.
Genome position (GRCh38, 1-based): chr19:42,376,646, C>T. VCF-style: chr19-42376646-C-T. GRCh37 (hg19) VCF-style: chr19-42880798-C-T.
Other names: c.8208C>T, p.Leu2736= (NM_001410.3).
Identifiers: ClinVar variation 2650041 (VCV002650041.24), dbSNP rs766498456, ClinGen allele CA9476370.